The following is an entry in ClinVar:

ClinVar aggregate classification (germline): Uncertain significance. Review status: criteria provided, multiple submitters, no conflicts (2 of 4 stars). 2 submissions from 2 submitters: Uncertain significance (2). Last evaluated 2026-07-07.

Conditions:
Oligodontia-cancer predisposition syndrome. Also called: TOOTH AGENESIS-COLORECTAL CANCER SYNDROME. Identifiers: Orphanet 300576, MedGen C1837750, MONDO:0012075, OMIM 608615. Disease mechanism: loss of function.
Hereditary cancer-predisposing syndrome. Also called: Hereditary Cancer Syndrome; Hereditary neoplastic syndrome; Neoplastic Syndromes, Hereditary; Tumor predisposition. Identifiers: Orphanet 140162, MedGen C0027672, MeSH D009386, MONDO:0015356.

Allele frequency attached by ClinVar (database versions not stated): gnomAD exomes below 0.00001.
gnomAD v4.1: 3 of 1,614,202 alleles (0.00019%); highest among the groups gnomAD compares: Non-Finnish European, 0.00025%; no homozygotes.

Submissions (2):

Ambry Genetics
Classification: Uncertain significance for Hereditary cancer-predisposing syndrome. Last evaluated: 2026-07-07. Review status: criteria provided, single submitter. Criteria: Ambry Variant Classification Scheme 2023. Collection method: clinical testing. Allele origin: germline.
Comment: The p.A237T variant (also known as c.709G>A), located in coding exon 1 of the AXIN2 gene, results from a G to A substitution at nucleotide position 709. The alanine at codon 237 is replaced by threonine, an amino acid with similar properties. This amino acid position is conserved. In addition, this alteration is predicted to be tolerated by in silico analysis. Based on the available evidence, the clinical significance of this variant remains unclear.

Labcorp Genetics (formerly Invitae), Labcorp
Classification: Uncertain significance for Oligodontia-cancer predisposition syndrome. Last evaluated: 2022-12-08. Review status: criteria provided, single submitter. Criteria: Invitae Variant Classification Sherloc (09022015). Collection method: clinical testing. Allele origin: germline.
Comment: This variant has not been reported in the literature in individuals affected with AXIN2-related conditions. Advanced modeling of protein sequence and biophysical properties (such as structural, functional, and spatial information, amino acid conservation, physicochemical variation, residue mobility, and thermodynamic stability) performed at Invitae indicates that this missense variant is not expected to disrupt AXIN2 protein function. This sequence change replaces alanine, which is neutral and non-polar, with threonine, which is neutral and polar, at codon 237 of the AXIN2 protein (p.Ala237Thr). This variant is not present in population databases (gnomAD no frequency). In summary, the available evidence is currently insufficient to determine the role of this variant in disease. Therefore, it has been classified as a Variant of Uncertain Significance.

NM_004655.4(AXIN2):c.709G>A (p.Ala237Thr)

Gene: AXIN2 (axin 2; minus strand). Cytogenetic location: 17q24.1.
Variant type: single nucleotide variant.
Coding change: c.709G>A on transcript NM_004655.4 (MANE Select); coding-DNA position 709, G replaced by A.
Protein change: p.Ala237Thr; replaces alanine 237 with threonine.
Molecular consequence: missense variant.
Genome position (GRCh38, 1-based): chr17:65,557,912, C>T on the plus strand (G>A on the coding strand, the complement: AXIN2 is on the minus strand). VCF-style: chr17-65557912-C-T. GRCh37 (hg19) VCF-style: chr17-63554030-C-T.
Other names: c.709G>A, p.Ala237Thr (NM_001363813.1); short protein forms A237T.
Identifiers: ClinVar variation 2819391 (VCV002819391.4), dbSNP rs2144582868, ClinGen allele CA400680436.